The following is an entry in ClinVar:

ClinVar aggregate classification (germline): Uncertain significance. Review status: criteria provided, multiple submitters, no conflicts (2 of 4 stars). 4 submissions from 4 submitters: Uncertain significance (4). Last evaluated 2025-08-21.

Conditions:
Cardiovascular phenotype. Identifiers: MedGen CN230736.
Alstrom syndrome (ALMS). Identifiers: Orphanet 64, MedGen C0268425, MONDO:0008763, OMIM 203800.

Allele frequency attached by ClinVar (database versions not stated): TOPMed below 0.00001; gnomAD 0.00001.
gnomAD v4.1: 2 of 1,613,936 alleles (0.00012%); highest among the groups gnomAD compares: African/African-American, 0.0027%; no homozygotes.

Submissions (4):

Ambry Genetics
Classification: Uncertain significance for Cardiovascular phenotype. Last evaluated: 2025-08-21. Review status: criteria provided, single submitter. Criteria: Ambry Variant Classification Scheme 2023. Collection method: clinical testing. Allele origin: germline.
Comment: The p.H2196L variant (also known as c.6587A>T), located in coding exon 8 of the ALMS1 gene, results from an A to T substitution at nucleotide position 6587. The histidine at codon 2196 is replaced by leucine, an amino acid with similar properties. This amino acid position is not well conserved in available vertebrate species. In addition, this alteration is predicted to be tolerated by in silico analysis. Based on the available evidence, the clinical significance of this variant remains unclear.

GeneDx
Classification: Uncertain significance. Last evaluated: 2024-05-30. Review status: criteria provided, single submitter. Criteria: GeneDx Variant Classification Process June 2021. Collection method: clinical testing. Allele origin: germline. Affected: yes.
Comment: Not observed at significant frequency in large population cohorts (gnomAD); In silico analysis supports that this missense variant has a deleterious effect on protein structure/function; Has not been previously published as pathogenic or benign to our knowledge

Labcorp Genetics (formerly Invitae), Labcorp
Classification: Uncertain significance for Alstrom syndrome. Last evaluated: 2022-06-13. Review status: criteria provided, single submitter. Criteria: Invitae Variant Classification Sherloc (09022015). Collection method: clinical testing. Allele origin: germline.
Comment: This sequence change replaces histidine, which is basic and polar, with leucine, which is neutral and non-polar, at codon 2196 of the ALMS1 protein (p.His2196Leu). This variant is not present in population databases (gnomAD no frequency). This variant has not been reported in the literature in individuals affected with ALMS1-related conditions. Experimental studies and prediction algorithms are not available or were not evaluated, and the functional significance of this variant is currently unknown. In summary, the available evidence is currently insufficient to determine the role of this variant in disease. Therefore, it has been classified as a Variant of Uncertain Significance.

Fulgent Genetics
Classification: Uncertain significance for Alstrom syndrome. Last evaluated: 2022-01-05. Review status: criteria provided, single submitter. Criteria: ACMG Guidelines, 2015. Collection method: clinical testing. Allele origin: unknown.

NM_001378454.1(ALMS1):c.6584A>T (p.His2195Leu)

Gene: ALMS1 (ALMS1 centrosome and basal body associated protein; plus strand). Cytogenetic location: 2p13.1.
Variant type: single nucleotide variant.
Coding change: c.6584A>T on transcript NM_001378454.1 (MANE Select); coding-DNA position 6584, A replaced by T.
Protein change: p.His2195Leu; replaces histidine 2195 with leucine.
Molecular consequence: missense variant.
Genome position (GRCh38, 1-based): chr2:73,453,111, A>T. VCF-style: chr2-73453111-A-T. GRCh37 (hg19) VCF-style: chr2-73680238-A-T.
Other names: c.6587A>T, p.His2196Leu (NM_015120.4); short protein forms H2195L, H2196L.
Identifiers: ClinVar variation 1406236 (VCV001406236.8), dbSNP rs1671984408, ClinGen allele CA347288698.